The following is an entry in ClinVar:

ClinVar aggregate classification (germline): Uncertain significance. Review status: criteria provided, multiple submitters, no conflicts (2 of 4 stars). 3 submissions from 3 submitters: Uncertain significance (3). Last evaluated 2024-10-10.

Conditions:
Cardiomyopathy (CMYO). Also called: Cardiomyopathies. Identifiers: Orphanet 167848, MedGen C0878544, MONDO:0004994, HP:0001638. Inheritance: Various modes of inheritance.
Hypertrophic cardiomyopathy. Also called: HYPERTROPHIC MYOCARDIOPATHY. Identifiers: Orphanet 217569, MedGen C0007194, MeSH D002312, MONDO:0005045, HP:0001639.

Submissions (3):

GeneDx
Classification: Uncertain significance. Last evaluated: 2024-10-10. Review status: criteria provided, single submitter. Criteria: GeneDx Variant Classification Process June 2021. Collection method: clinical testing. Allele origin: germline. Affected: yes.
Comment: Not observed at significant frequency in large population cohorts (gnomAD); In silico analysis supports that this missense variant has a deleterious effect on protein structure/function; Has not been previously published as pathogenic or benign to our knowledge

Labcorp Genetics (formerly Invitae), Labcorp
Classification: Uncertain significance for Hypertrophic cardiomyopathy. Last evaluated: 2022-06-26. Review status: criteria provided, single submitter. Criteria: Invitae Variant Classification Sherloc (09022015). Collection method: clinical testing. Allele origin: germline.
Comment: In summary, the available evidence is currently insufficient to determine the role of this variant in disease. Therefore, it has been classified as a Variant of Uncertain Significance. Algorithms developed to predict the effect of missense changes on protein structure and function are either unavailable or do not agree on the potential impact of this missense change (SIFT: "Deleterious"; PolyPhen-2: "Benign"; Align-GVGD: "Class C0"). This sequence change replaces serine, which is neutral and polar, with phenylalanine, which is neutral and non-polar, at codon 1476 of the MYH7 protein (p.Ser1476Phe). This variant is not present in population databases (gnomAD no frequency). This variant has not been reported in the literature in individuals affected with MYH7-related conditions. ClinVar contains an entry for this variant (Variation ID: 626814).

CHEO Genetics Diagnostic Laboratory, Children's Hospital of Eastern Ontario
Classification: Uncertain significance for Cardiomyopathy. Last evaluated: 2016-08-04. Review status: criteria provided, single submitter. Criteria: ACMG Guidelines, 2015. Collection method: clinical testing. Allele origin: germline. Study: Canadian Open Genetics Repository.

NM_000257.4(MYH7):c.4427C>T (p.Ser1476Phe)

Genes: MHRT (myosin heavy chain associated RNA transcript; plus strand), MYH7 (myosin heavy chain 7; minus strand). Cytogenetic location: 14q11.2.
Variant type: single nucleotide variant.
Coding change: c.4427C>T on transcript NM_000257.4 (MANE Select); coding-DNA position 4427, C replaced by T.
Protein change: p.Ser1476Phe; replaces serine 1476 with phenylalanine.
Molecular consequence: missense variant. On other transcripts: non-coding transcript variant (1).
Genome position (GRCh38, 1-based): chr14:23,417,245, G>A on the plus strand (C>T on the coding strand, the complement: MYH7 is on the minus strand). VCF-style: chr14-23417245-G-A. GRCh37 (hg19) VCF-style: chr14-23886454-G-A.
Other names: c.4427C>T (LRG_384t1); short protein forms S1476F.
Identifiers: ClinVar variation 626814 (VCV000626814.7), dbSNP rs1566525169, ClinGen allele CA389038525.